The following is an entry in ClinVar:

NM_001267550.2(TTN):c.40043T>C (p.Val13348Ala)

Gene: TTN (titin; minus strand). Cytogenetic location: 2q31.2.
Variant type: single nucleotide variant.
Coding change: c.40043T>C on transcript NM_001267550.2 (MANE Select); coding-DNA position 40043, T replaced by C.
Protein change: p.Val13348Ala; replaces valine 13348 with alanine.
Molecular consequence: missense variant. On other transcripts: intron variant (5).
Genome position (GRCh38, 1-based): chr2:178,649,262, A>G on the plus strand (T>C on the coding strand, the complement: TTN is on the minus strand). VCF-style: chr2-178649262-A-G. GRCh37 (hg19) VCF-style: chr2-179513989-A-G.
Other names: c.13283-6945T>C (NM_003319.4); c.13859-6945T>C (NM_133437.4); c.13658-6945T>C (NM_133432.3); c.32593+555T>C (NM_133378.4); c.35374+555T>C (NM_001256850.1); short protein forms V13348A.
Identifiers: ClinVar variation 3384663 (VCV003384663.1).

ClinVar aggregate classification (germline): Uncertain significance (1 of 4 stars; one submission).

gnomAD v4.1: 1 of 1,500,438 alleles (0.000067%); highest among the groups gnomAD compares: Non-Finnish European, 0.000088%; no homozygotes.

Submission:

GeneDx
Classification: Uncertain significance. Last evaluated: 2024-06-04. Review status: criteria provided, single submitter. Criteria: GeneDx Variant Classification Process June 2021. Collection method: clinical testing. Allele origin: germline. Affected: yes.
Comment: Not observed at significant frequency in large population cohorts (gnomAD); Missense variant in a gene in which most reported pathogenic variants are truncating/loss of function; Has not been previously published as pathogenic or benign to our knowledge